The following is an entry in ClinVar:

NM_014423.4(AFF4):c.1175G>C (p.Ser392Thr)

Gene: AFF4 (ALF transcription elongation factor 4; minus strand). Cytogenetic location: 5q31.1.
Variant type: single nucleotide variant.
Coding change: c.1175G>C on transcript NM_014423.4 (MANE Select); coding-DNA position 1175, G replaced by C.
Protein change: p.Ser392Thr; replaces serine 392 with threonine.
Molecular consequence: missense variant.
Genome position (GRCh38, 1-based): chr5:132,899,600, C>G on the plus strand (G>C on the coding strand, the complement: AFF4 is on the minus strand). VCF-style: chr5-132899600-C-G. GRCh37 (hg19) VCF-style: chr5-132235292-C-G.
Other names: short protein forms S392T.
Identifiers: ClinVar variation 2789604 (VCV002789604.3), dbSNP rs2532486043, ClinGen allele CA360942805.

ClinVar aggregate classification (germline): Uncertain significance (1 of 4 stars; one submission).

Conditions:
Cognitive impairment - coarse facies - heart defects - obesity - pulmonary involvement - short stature - skeletal dysplasia syndrome. Also called: Chops syndrome; AFF4-Related CHOPS Syndrome; COGNITIVE IMPAIRMENT, COARSE FACIES, HEART DEFECTS, OBESITY, PULMONARY INVOLVEMENT, SHORT STATURE, AND SKELETAL DYSPLASIA. Identifiers: Orphanet 444077, MedGen C4085597, MONDO:0014609, OMIM 616368.

gnomAD v4.1: 1 of 1,612,304 alleles (0.000062%); highest among the groups gnomAD compares: Non-Finnish European, 0.000085%; no homozygotes.

Submission:

Labcorp Genetics (formerly Invitae), Labcorp
Classification: Uncertain significance for Cognitive impairment - coarse facies - heart defects - obesity - pulmonary involvement - short stature - skeletal dysplasia syndrome. Last evaluated: 2022-11-09. Review status: criteria provided, single submitter. Criteria: Invitae Variant Classification Sherloc (09022015). Collection method: clinical testing. Allele origin: germline.
Comment: This sequence change replaces serine, which is neutral and polar, with threonine, which is neutral and polar, at codon 392 of the AFF4 protein (p.Ser392Thr). This variant is not present in population databases (gnomAD no frequency). This variant has not been reported in the literature in individuals affected with AFF4-related conditions. Advanced modeling of protein sequence and biophysical properties (such as structural, functional, and spatial information, amino acid conservation, physicochemical variation, residue mobility, and thermodynamic stability) performed at Invitae indicates that this missense variant is expected to disrupt AFF4 protein function. In summary, the available evidence is currently insufficient to determine the role of this variant in disease. Therefore, it has been classified as a Variant of Uncertain Significance.